The following is an entry in ClinVar:

NM_004614.5(TK2):c.231+5A>G

Gene: TK2 (thymidine kinase 2; minus strand). Cytogenetic location: 16q21.
Variant type: single nucleotide variant.
Coding change: c.231+5A>G on transcript NM_004614.5 (MANE Select); 5 bases into the intron after coding-DNA position 231, A replaced by G.
Molecular consequence: intron variant.
Genome position (GRCh38, 1-based): chr16:66,541,874, T>C on the plus strand (A>G on the coding strand, the complement: TK2 is on the minus strand). VCF-style: chr16-66541874-T-C. GRCh37 (hg19) VCF-style: chr16-66575777-T-C.
Other names: c.138+5A>G (NM_001271935.1, NM_001172643.1); c.157-4857A>G (NM_001172644.2); c.231+5A>G (NM_001172645.2); c.84+5A>G (NM_001271934.2); c.-61+5A>G (NM_001272050.2).
Identifiers: ClinVar variation 1461829 (VCV001461829.3), dbSNP rs1195695333, ClinGen allele CA622895864.

ClinVar aggregate classification (germline): Uncertain significance (1 of 4 stars; one submission).

Allele frequency attached by ClinVar (database versions not stated): gnomAD exomes below 0.00001; gnomAD 0.00001; TOPMed 0.00003.
gnomAD v4.1: 7 of 1,614,034 alleles (0.00043%); highest among the groups gnomAD compares: South Asian, 0.0011%; no homozygotes.

Submission:

Labcorp Genetics (formerly Invitae), Labcorp
Classification: Uncertain significance. Last evaluated: 2022-06-20. Review status: criteria provided, single submitter. Criteria: Invitae Variant Classification Sherloc (09022015). Collection method: clinical testing. Allele origin: germline.
Comment: This sequence change falls in intron 3 of the TK2 gene. It does not directly change the encoded amino acid sequence of the TK2 protein. It affects a nucleotide within the consensus splice site. This variant is present in population databases (no rsID available, gnomAD 0.007%). This variant has not been reported in the literature in individuals affected with TK2-related conditions. Variants that disrupt the consensus splice site are a relatively common cause of aberrant splicing (PMID: 17576681, 9536098). Algorithms developed to predict the effect of sequence changes on RNA splicing suggest that this variant is not likely to affect RNA splicing. In summary, the available evidence is currently insufficient to determine the role of this variant in disease. Therefore, it has been classified as a Variant of Uncertain Significance.

Literature cited by the submitters: PubMed 17576681; PubMed 9536098.